The following is an entry in ClinVar:

ClinVar aggregate classification (germline): Uncertain significance. Review status: criteria provided, multiple submitters, no conflicts (2 of 4 stars). 2 submissions from 2 submitters: Uncertain significance (2). Last evaluated 2023-10-03.

Allele frequency attached by ClinVar (database versions not stated): gnomAD exomes below 0.00001 and 0.00001.
gnomAD v4.1: 5 of 1,611,958 alleles (0.00031%); highest among the groups gnomAD compares: Admixed American, 0.005%; no homozygotes.

Submissions (2):

Labcorp Genetics (formerly Invitae), Labcorp
Classification: Uncertain significance. Last evaluated: 2023-10-03. Review status: criteria provided, single submitter. Criteria: Invitae Variant Classification Sherloc (09022015). Collection method: clinical testing. Allele origin: germline.
Comment: This sequence change replaces glutamic acid, which is acidic and polar, with lysine, which is basic and polar, at codon 237 of the IMPG1 protein (p.Glu237Lys). This variant is present in population databases (no rsID available, gnomAD 0.009%). This variant has not been reported in the literature in individuals affected with IMPG1-related conditions. ClinVar contains an entry for this variant (Variation ID: 1024655). An algorithm developed to predict the effect of missense changes on protein structure and function (PolyPhen-2) suggests that this variant is likely to be disruptive. In summary, the available evidence is currently insufficient to determine the role of this variant in disease. Therefore, it has been classified as a Variant of Uncertain Significance.

Blueprint Genetics
Classification: Uncertain significance. Last evaluated: 2017-08-10. Review status: criteria provided, single submitter. Criteria: ACMG Guidelines, 2015. Collection method: clinical testing. Allele origin: germline.

NM_001563.4(IMPG1):c.709G>A (p.Glu237Lys)

Gene: IMPG1 (interphotoreceptor matrix proteoglycan 1; minus strand). Cytogenetic location: 6q14.1.
Variant type: single nucleotide variant.
Coding change: c.709G>A on transcript NM_001563.4 (MANE Select); coding-DNA position 709, G replaced by A.
Protein change: p.Glu237Lys; replaces glutamic acid 237 with lysine.
Molecular consequence: missense variant.
Genome position (GRCh38, 1-based): chr6:76,018,816, C>T on the plus strand (G>A on the coding strand, the complement: IMPG1 is on the minus strand). VCF-style: chr6-76018816-C-T. GRCh37 (hg19) VCF-style: chr6-76728533-C-T.
Other names: c.475G>A, p.Glu159Lys (NM_001282368.2); short protein forms E159K, E237K.
Identifiers: ClinVar variation 1024655 (VCV001024655.10), dbSNP rs1562371855, ClinGen allele CA364778996.